The following is an entry in ClinVar:

NM_000218.3(KCNQ1):c.1335C>T (p.Cys445=)

Gene: KCNQ1 (potassium voltage-gated channel subfamily Q member 1; plus strand). Cytogenetic location: 11p15.5.
Variant type: single nucleotide variant.
Coding change: c.1335C>T on transcript NM_000218.3 (MANE Select); coding-DNA position 1335, C replaced by T.
Protein change: p.Cys445=; no amino-acid change (cysteine 445 retained).
Molecular consequence: synonymous variant.
Genome position (GRCh38, 1-based): chr11:2,588,796, C>T. VCF-style: chr11-2588796-C-T. GRCh37 (hg19) VCF-style: chr11-2610026-C-T.
Other names: c.1239C>T, p.Cys413= (NM_001406836.1); c.1065C>T, p.Cys355= (NM_001406837.1); c.795C>T, p.Cys265= (NM_001406838.1); c.954C>T, p.Cys318= (NM_181798.2).
Identifiers: ClinVar variation 700972 (VCV000700972.15), dbSNP rs890238618, ClinGen allele CA216334845.

ClinVar aggregate classification (germline): Likely benign. Review status: criteria provided, multiple submitters, no conflicts (2 of 4 stars). 3 submissions from 3 submitters: Likely benign (3). Last evaluated 2025-07-02.

Conditions:
Cardiovascular phenotype. Identifiers: MedGen CN230736.
Long QT syndrome (LQTS). Identifiers: MedGen C0023976, MeSH D008133, MONDO:0002442. Disease mechanism: loss of function. Inheritance: Various modes of inheritance.

Allele frequency attached by ClinVar (database versions not stated): gnomAD exomes below 0.00001 and 0.00001; gnomAD 0.00001; TOPMed 0.00005.
gnomAD v4.1: 23 of 1,613,282 alleles (0.0014%); highest among the groups gnomAD compares: Middle Eastern, 0.017%; no homozygotes.

Submissions (3):

Labcorp Genetics (formerly Invitae), Labcorp
Classification: Likely benign for Long QT syndrome. Last evaluated: 2025-07-02. Review status: criteria provided, single submitter. Criteria: Invitae Variant Classification Sherloc (09022015). Collection method: clinical testing. Allele origin: germline.

All of Us Research Program, National Institutes of Health
Classification: Likely benign for Long QT syndrome. Last evaluated: 2023-12-13. Review status: criteria provided, single submitter. Criteria: ACMG Guidelines, 2015. Collection method: clinical testing. Allele origin: germline. Inheritance: Autosomal dominant inheritance. Observed: 1 variant allele, 1 heterozygote.
Comment: This study involves interpretation of variants in research participants for the purpose of population health screening. Participant phenotype was not available at the time of variant classification. Additional details can be found in publication PMID: 35346344, PMCID: PMC8962531

Ambry Genetics
Classification: Likely benign for Cardiovascular phenotype. Last evaluated: 2022-12-06. Review status: criteria provided, single submitter. Criteria: Ambry Variant Classification Scheme 2023. Collection method: clinical testing. Allele origin: germline.